The following is an entry in ClinVar:

ClinVar aggregate classification (germline): Uncertain significance (1 of 4 stars; one submission).

Conditions:
DICER1-related tumor predisposition. Also called: DICER1 syndrome; DICER1-related pleuropulmonary blastoma cancer predisposition syndrome. Identifiers: Orphanet 284343, MedGen C3839822, MONDO:0100216.

gnomAD v4.1: 1 of 1,614,026 alleles (0.000062%); highest among the groups gnomAD compares: Admixed American, 0.0017%; no homozygotes.

Submission:

Labcorp Genetics (formerly Invitae), Labcorp
Classification: Uncertain significance for DICER1-related tumor predisposition. Last evaluated: 2023-04-07. Review status: criteria provided, single submitter. Criteria: Invitae Variant Classification Sherloc (09022015). Collection method: clinical testing. Allele origin: germline.
Comment: In summary, the available evidence is currently insufficient to determine the role of this variant in disease. Therefore, it has been classified as a Variant of Uncertain Significance. Advanced modeling of protein sequence and biophysical properties (such as structural, functional, and spatial information, amino acid conservation, physicochemical variation, residue mobility, and thermodynamic stability) performed at Invitae indicates that this missense variant is not expected to disrupt DICER1 protein function. This variant has not been reported in the literature in individuals affected with DICER1-related conditions. This variant is not present in population databases (gnomAD no frequency). This sequence change replaces proline, which is neutral and non-polar, with threonine, which is neutral and polar, at codon 1129 of the DICER1 protein (p.Pro1129Thr).

NM_177438.3(DICER1):c.3385C>A (p.Pro1129Thr)

Gene: DICER1 (dicer 1, ribonuclease III; minus strand). Cytogenetic location: 14q32.13.
Variant type: single nucleotide variant.
Coding change: c.3385C>A on transcript NM_177438.3 (MANE Select); coding-DNA position 3385, C replaced by A.
Protein change: p.Pro1129Thr; replaces proline 1129 with threonine.
Molecular consequence: missense variant. On other transcripts: non-coding transcript variant (6).
Genome position (GRCh38, 1-based): chr14:95,104,011, G>T on the plus strand (C>A on the coding strand, the complement: DICER1 is on the minus strand). VCF-style: chr14-95104011-G-T. GRCh37 (hg19) VCF-style: chr14-95570348-G-T.
Other names: c.3385C>A, p.Pro1129Thr (NM_001395695.1, NM_030621.4, NM_001195573.1 and 13 more transcripts); c.2980C>A, p.Pro994Thr (NM_001395696.1, NM_001395687.1, NM_001395688.1 and 2 more transcripts); c.1702C>A, p.Pro568Thr (NM_001395697.1); c.3103C>A, p.Pro1035Thr (NM_001395686.1); c.2818C>A, p.Pro940Thr (NM_001395691.1); short protein forms P940T, P1035T, P568T, P1129T, P994T.
Identifiers: ClinVar variation 2783674 (VCV002783674.3), dbSNP rs1175693367, ClinGen allele CA390875654.
Genomic context (GRCh38, chr14:95,104,011, plus strand): 5'-TTTGGTCATGATTTTCTAGAGAGGAGGTTCTATTAGCACCTTGATGTGCAGCATTTTCAG[G>T]GACAATTGTGCTGTGCTTACAGTAATTATCATTTTCAGCTGAAGAGGAGTTAGAAATTGA-3'
Protein context (NP_803187.1, residues 1119-1139): DNYCKHSTIV[Pro1129Thr]ENAAHQGANR